The following is an entry in ClinVar:

NM_000161.3(GCH1):c.299C>T (p.Ser100Leu)

Gene: GCH1 (GTP cyclohydrolase 1; minus strand). Cytogenetic location: 14q22.2.
Variant type: single nucleotide variant.
Coding change: c.299C>T on transcript NM_000161.3 (MANE Select); coding-DNA position 299, C replaced by T.
Protein change: p.Ser100Leu; replaces serine 100 with leucine.
Molecular consequence: missense variant.
Genome position (GRCh38, 1-based): chr14:54,902,365, G>A on the plus strand (C>T on the coding strand, the complement: GCH1 is on the minus strand). VCF-style: chr14-54902365-G-A. GRCh37 (hg19) VCF-style: chr14-55369083-G-A.
Other names: c.299C>T, p.Ser100Leu (NM_001024024.2, NM_001024070.2, NM_001024071.2); short protein forms S100L.
Identifiers: ClinVar variation 1391073 (VCV001391073.7), dbSNP rs527416949, ClinGen allele CA260531733.
Genomic context (GRCh38, chr14:54,902,365, plus strand): 5'-CCGCGGGCGCACTGACCTGAGATGGTCTCCTGGTAGCCCTTGGTGAAGAACTGCATGGCC[G>A]AGGCCGCCCTCCAGGGCGTCTTGAGCAGCCCTTGCCGCTGGGGGTTCTCGCCCAGCGAGC-3'
Protein context (NP_000152.1, residues 90-110): GLLKTPWRAA[Ser100Leu]AMQFFTKGYQ

ClinVar aggregate classification (germline): Uncertain significance. Review status: criteria provided, multiple submitters, no conflicts (2 of 4 stars). 2 submissions from 2 submitters: Uncertain significance (2). Last evaluated 2024-03-16.

Conditions:
Dystonia 5 (DRD). Also called: DYSTONIA, PROGRESSIVE, WITH DIURNAL VARIATION; DYSTONIA-PARKINSONISM WITH DIURNAL FLUCTUATION; GTP Cyclohydrolase 1-Deficient Dopa-Responsive Dystonia; Dystonia, DOPA-responsive, with or without hyperphenylalaninemia; DYT-GCH1. Identifiers: Orphanet 98808, MedGen C1851920, MONDO:0007495, OMIM 128230.
GTP cyclohydrolase I deficiency with hyperphenylalaninemia (HPABH4B). Also called: HYPERPHENYLALANINEMIA, BH4-DEFICIENT, B; HYPERPHENYLALANINEMIA, TETRAHYDROBIOPTERIN-DEFICIENT, DUE TO GTP CYCLOHYDROLASE I DEFICIENCY; Hyperphenylalaninemia, tetrahydrobiopterin-deficient, due to GTP cyclohydrolase 1 deficiency. Identifiers: Orphanet 2102, Orphanet 238583, MedGen CN305333, MONDO:0100186, OMIM 233910.
GTP cyclohydrolase I deficiency. Identifiers: MedGen C0268467, MONDO:0100184.

Allele frequency attached by ClinVar (database versions not stated): gnomAD exomes 0.00001; gnomAD 0.00002 and 0.00003; TOPMed 0.00002.

Submissions (2):

Labcorp Genetics (formerly Invitae), Labcorp
Classification: Uncertain significance for GTP cyclohydrolase I deficiency; Dystonia 5. Last evaluated: 2024-03-16. Review status: criteria provided, single submitter. Criteria: Invitae Variant Classification Sherloc (09022015). Collection method: clinical testing. Allele origin: germline.
Comment: This sequence change replaces serine, which is neutral and polar, with leucine, which is neutral and non-polar, at codon 100 of the GCH1 protein (p.Ser100Leu). This variant is not present in population databases (gnomAD no frequency). This variant has not been reported in the literature in individuals affected with GCH1-related conditions. ClinVar contains an entry for this variant (Variation ID: 1391073). Advanced modeling of protein sequence and biophysical properties (such as structural, functional, and spatial information, amino acid conservation, physicochemical variation, residue mobility, and thermodynamic stability) performed at Invitae indicates that this missense variant is not expected to disrupt GCH1 protein function with a negative predictive value of 80%. In summary, the available evidence is currently insufficient to determine the role of this variant in disease. Therefore, it has been classified as a Variant of Uncertain Significance.

Fulgent Genetics
Classification: Uncertain significance for Dystonia 5; GTP cyclohydrolase I deficiency with hyperphenylalaninemia. Last evaluated: 2021-10-08. Review status: criteria provided, single submitter. Criteria: ACMG Guidelines, 2015. Collection method: clinical testing. Allele origin: unknown.